The following is an entry in ClinVar:

ClinVar aggregate classification (germline): Uncertain significance. Review status: criteria provided, single submitter (1 of 4 stars). 2 submissions from 2 submitters: Uncertain significance (1). 1 of the submissions does not count toward it. Last evaluated 2025-11-11.

Conditions:
CABIN1-related disorder. Also called: CABIN1-related condition.

Allele frequency attached by ClinVar (database versions not stated): ESP Exome Variant Server 0.00085; gnomAD exomes 0.00101; gnomAD 0.00083; TOPMed 0.00085; 1000 Genomes Project 30x 0.00031; 1000 Genomes Project 0.00040; ExAC 0.00134.
gnomAD v4.1: 1,582 of 1,584,004 alleles (0.1%); highest among the groups gnomAD compares: Middle Eastern, 0.3%; no homozygotes.

Submissions (2):

Ambry Genetics
Classification: Uncertain significance. Last evaluated: 2025-11-11. Review status: criteria provided, single submitter. Criteria: Ambry Variant Classification Scheme 2023. Collection method: clinical testing. Allele origin: germline.

PreventionGenetics, part of Exact Sciences
Classification: Likely benign for CABIN1-related condition. Last evaluated: 2022-09-22. Review status: no assertion criteria provided. Collection method: clinical testing. Allele origin: germline. Not counted in ClinVar's aggregate classification.
Comment: This variant is classified as likely benign based on ACMG/AMP sequence variant interpretation guidelines (Richards et al. 2015 PMID: 25741868, with internal and published modifications).

NM_012295.4(CABIN1):c.5341C>T (p.Pro1781Ser)

Gene: CABIN1 (calcineurin binding protein 1; plus strand). Cytogenetic location: 22q11.23.
Variant type: single nucleotide variant.
Coding change: c.5341C>T on transcript NM_012295.4 (MANE Select); coding-DNA position 5341, C replaced by T.
Protein change: p.Pro1781Ser; replaces proline 1781 with serine.
Molecular consequence: missense variant.
Genome position (GRCh38, 1-based): chr22:24,166,972, C>T. VCF-style: chr22-24166972-C-T. GRCh37 (hg19) VCF-style: chr22-24562940-C-T.
Other names: c.5341C>T, p.Pro1781Ser (NM_001199281.1); c.5191C>T, p.Pro1731Ser (NM_001201429.2); short protein forms P1731S, P1781S.
Identifiers: ClinVar variation 2209528 (VCV002209528.5), dbSNP rs200500123, ClinGen allele CA10149739.